The following is an entry in ClinVar:

NM_001171.6(ABCC6):c.1283A>G (p.Asn428Ser)

Gene: ABCC6 (ATP binding cassette subfamily C member 6; minus strand). Cytogenetic location: 16p13.11.
Variant type: single nucleotide variant.
Coding change: c.1283A>G on transcript NM_001171.6 (MANE Select); coding-DNA position 1283, A replaced by G.
Protein change: p.Asn428Ser; replaces asparagine 428 with serine.
Molecular consequence: missense variant. On other transcripts: non-coding transcript variant (1).
Genome position (GRCh38, 1-based): chr16:16,198,076, T>C on the plus strand (A>G on the coding strand, the complement: ABCC6 is on the minus strand). VCF-style: chr16-16198076-T-C. GRCh37 (hg19) VCF-style: chr16-16291933-T-C.
Other names: c.1283A>G (NM_001171.5); c.941A>G, p.Asn314Ser (NM_001351800.1); short protein forms N314S, N428S.
Identifiers: ClinVar variation 2137793 (VCV002137793.3), dbSNP rs201880691, ClinGen allele CA7926379.

ClinVar aggregate classification (germline): Uncertain significance. Review status: criteria provided, multiple submitters, no conflicts (2 of 4 stars). 3 submissions from 3 submitters: Uncertain significance (3). Last evaluated 2026-09-15.

Conditions:
ABCC6-related disorder. Also called: ABCC6-related condition.

Allele frequency attached by ClinVar (database versions not stated): TOPMed 0.00003; gnomAD 0.00010; ExAC 0.00011; gnomAD exomes 0.00013; 1000 Genomes Project 30x 0.00016; 1000 Genomes Project 0.00020.
gnomAD v4.1: 203 of 1,614,036 alleles (0.013%); highest among the groups gnomAD compares: East Asian, 0.42%; 1 homozygote.

Submissions (3):

PreventionGenetics, part of Exact Sciences
Classification: Uncertain significance for ABCC6-related condition. Last evaluated: 2026-09-15. Review status: criteria provided, single submitter. Criteria: ACMG Guidelines, 2015. Collection method: clinical testing. Allele origin: germline.
Comment: The ABCC6 c.1283A>G variant is predicted to result in the amino acid substitution p.Asn428Ser. This variant was reported in the heterozygous state in patients with Angioid streaks; however, the variant was also described in the control cohort (Katagiri et al. 2017. PubMed ID: 28912966; Sato et al. 2009. PubMed ID: 19284998). This variant was also described in a cohort of individuals with premature coronary artery disease (Table S5, Teng et al. 2024. PubMed ID: 38297435). This variant is reported in 0.13% of alleles in individuals of East Asian descent in gnomAD, which may be too frequent to be a primary cause of disease. Although we suspect that this variant may be benign, at this time, the clinical significance of this variant is uncertain due to the absence of conclusive functional and genetic evidence.

Blueprint Genetics
Classification: Uncertain significance. Last evaluated: 2024-07-30. Review status: criteria provided, single submitter. Criteria: ACMG Guidelines, 2015. Collection method: clinical testing. Allele origin: germline.

Labcorp Genetics (formerly Invitae), Labcorp
Classification: Uncertain significance. Last evaluated: 2022-07-06. Review status: criteria provided, single submitter. Criteria: Invitae Variant Classification Sherloc (09022015). Collection method: clinical testing. Allele origin: germline.
Comment: This sequence change replaces asparagine, which is neutral and polar, with serine, which is neutral and polar, at codon 428 of the ABCC6 protein (p.Asn428Ser). This variant is present in population databases (rs201880691, gnomAD 0.1%). This missense change has been observed in individual(s) with clinical features of pseudoxanthoma elasticum (PMID: 28912966). Algorithms developed to predict the effect of missense changes on protein structure and function are either unavailable or do not agree on the potential impact of this missense change (SIFT: "Deleterious"; PolyPhen-2: "Possibly Damaging"; Align-GVGD: "Class C0"). Algorithms developed to predict the effect of sequence changes on RNA splicing suggest that this variant may create or strengthen a splice site. In summary, the available evidence is currently insufficient to determine the role of this variant in disease. Therefore, it has been classified as a Variant of Uncertain Significance.

Literature cited by the submitters: PubMed 28912966 (cited by Labcorp Genetics (formerly Invitae), Labcorp).